The following is an entry in ClinVar:

NM_133433.4(NIPBL):c.4709T>G (p.Leu1570Arg)

Gene: NIPBL (NIPBL cohesin loading factor; plus strand). Cytogenetic location: 5p13.2.
Variant type: single nucleotide variant.
Coding change: c.4709T>G on transcript NM_133433.4 (MANE Select); coding-DNA position 4709, T replaced by G.
Protein change: p.Leu1570Arg; replaces leucine 1570 with arginine.
Molecular consequence: missense variant.
Genome position (GRCh38, 1-based): chr5:37,016,103, T>G. VCF-style: chr5-37016103-T-G. GRCh37 (hg19) VCF-style: chr5-37016205-T-G.
Other names: c.4709T>G, p.Leu1570Arg (NM_015384.5); short protein forms L1570R.
Identifiers: ClinVar variation 2864919 (VCV002864919.3), dbSNP rs2478268444, ClinGen allele CA359482613.

ClinVar aggregate classification (germline): Uncertain significance (1 of 4 stars; one submission).

Conditions:
Cornelia de Lange syndrome 1 (CDLS1). Also called: Brachmann de Lange syndrome; NIPBL-Related Cornelia de Lange Syndrome; TYPUS DEGENERATIVUS AMSTELODAMENSIS. Identifiers: Orphanet 199, MedGen C4551851, MONDO:0007387, OMIM 122470.

Submission:

Labcorp Genetics (formerly Invitae), Labcorp
Classification: Uncertain significance for Cornelia de Lange syndrome 1. Last evaluated: 2023-06-20. Review status: criteria provided, single submitter. Criteria: Invitae Variant Classification Sherloc (09022015). Collection method: clinical testing. Allele origin: germline.
Comment: This sequence change replaces leucine, which is neutral and non-polar, with arginine, which is basic and polar, at codon 1570 of the NIPBL protein (p.Leu1570Arg). This variant is not present in population databases (gnomAD no frequency). This variant has not been reported in the literature in individuals affected with NIPBL-related conditions. Advanced modeling of protein sequence and biophysical properties (such as structural, functional, and spatial information, amino acid conservation, physicochemical variation, residue mobility, and thermodynamic stability) performed at Invitae indicates that this missense variant is expected to disrupt NIPBL protein function. In summary, the available evidence is currently insufficient to determine the role of this variant in disease. Therefore, it has been classified as a Variant of Uncertain Significance.